The following is an entry in ClinVar:

ClinVar aggregate classification (germline): Uncertain significance. Review status: criteria provided, multiple submitters, no conflicts (2 of 4 stars). 2 submissions from 2 submitters: Uncertain significance (2). Last evaluated 2024-10-08.

Conditions:
Exostoses, multiple, type 2 (EXT2). Also called: Hereditary Multiple Osteochondromatosis, Type II; EXOSTOSES, MULTIPLE, TYPE II. Identifiers: Orphanet 321, MedGen C1851413, MONDO:0007586, OMIM 133701.

Allele frequency attached by ClinVar (database versions not stated): gnomAD exomes below 0.00001 and 0.00001; gnomAD 0.00001; TOPMed 0.00001.
gnomAD v4.1: 10 of 1,614,004 alleles (0.00062%); highest among the groups gnomAD compares: Non-Finnish European, 0.00076%; no homozygotes.

Submissions (2):

Labcorp Genetics (formerly Invitae), Labcorp
Classification: Uncertain significance for Exostoses, multiple, type 2. Last evaluated: 2024-10-08. Review status: criteria provided, single submitter. Criteria: Invitae Variant Classification Sherloc (09022015). Collection method: clinical testing. Allele origin: germline.
Comment: This sequence change replaces threonine, which is neutral and polar, with asparagine, which is neutral and polar, at codon 287 of the EXT2 protein (p.Thr287Asn). This variant is present in population databases (no rsID available, gnomAD 0.004%). This variant has not been reported in the literature in individuals affected with EXT2-related conditions. ClinVar contains an entry for this variant (Variation ID: 304581). Invitae Evidence Modeling of protein sequence and biophysical properties (such as structural, functional, and spatial information, amino acid conservation, physicochemical variation, residue mobility, and thermodynamic stability) indicates that this missense variant is not expected to disrupt EXT2 protein function with a negative predictive value of 95%. In summary, the available evidence is currently insufficient to determine the role of this variant in disease. Therefore, it has been classified as a Variant of Uncertain Significance.

Illumina Laboratory Services, Illumina
Classification: Uncertain significance for Exostoses, multiple, type 2. Last evaluated: 2018-01-12. Review status: criteria provided, single submitter. Criteria: ICSL Variant Classification Criteria 13 December 2019. Collection method: clinical testing. Allele origin: germline.

NM_207122.2(EXT2):c.860C>A (p.Thr287Asn)

Gene: EXT2 (exostosin glycosyltransferase 2; plus strand). Cytogenetic location: 11p11.2.
Variant type: single nucleotide variant.
Coding change: c.860C>A on transcript NM_207122.2 (MANE Select); coding-DNA position 860, C replaced by A.
Protein change: p.Thr287Asn; replaces threonine 287 with asparagine.
Molecular consequence: missense variant.
Genome position (GRCh38, 1-based): chr11:44,124,905, C>A. VCF-style: chr11-44124905-C-A. GRCh37 (hg19) VCF-style: chr11-44146455-C-A.
Other names: c.959C>A, p.Thr320Asn (NM_000401.3); c.860C>A, p.Thr287Asn (NM_001178083.3, NM_001389628.1, NM_001389630.1); short protein forms T287N, T320N.
Identifiers: ClinVar variation 304581 (VCV000304581.7), dbSNP rs886048275, ClinGen allele CA10639060.